The following is an entry in ClinVar:

ClinVar aggregate classification (germline): Uncertain significance (1 of 4 stars; one submission).

Conditions:
Hereditary spastic paraplegia 11. Also called: Spastic Paraplegia 11; Nakamura Osame syndrome; Autosomal recessive hereditary spastic paraplegia, mental impairment, and thin corpus callosum; Spastic paraplegia, mental retardation and thin corpus callosum; SPASTIC PARAPLEGIA, AUTOSOMAL RECESSIVE, COMPLICATED, WITH THIN CORPUS CALLOSUM; SPASTIC PARAPLEGIA, AUTOSOMAL RECESSIVE, WITH MENTAL IMPAIRMENT AND THIN CORPUS CALLOSUM. Identifiers: Orphanet 2822, MedGen C1858479, MONDO:0011445, OMIM 604360.

Submission:

Labcorp Genetics (formerly Invitae), Labcorp
Classification: Uncertain significance for Spastic paraplegia 11, autosomal recessive. Last evaluated: 2019-04-22. Review status: criteria provided, single submitter. Criteria: Invitae Variant Classification Sherloc (09022015). Collection method: clinical testing. Allele origin: germline.
Comment: This sequence change replaces valine with alanine at codon 1973 of the SPG11 protein (p.Val1973Ala). The valine residue is highly conserved and there is a small physicochemical difference between valine and alanine. This variant is not present in population databases (ExAC no frequency). This variant has not been reported in the literature in individuals with SPG11-related conditions. Algorithms developed to predict the effect of missense changes on protein structure and function (SIFT, PolyPhen-2, Align-GVGD) all suggest that this variant is likely to be tolerated, but these predictions have not been confirmed by published functional studies and their clinical significance is uncertain. In summary, the available evidence is currently insufficient to determine the role of this variant in disease. Therefore, it has been classified as a Variant of Uncertain Significance.

NM_025137.4(SPG11):c.5918T>C (p.Val1973Ala)

Gene: SPG11 (SPG11 vesicle trafficking associated, spatacsin; minus strand). Cytogenetic location: 15q21.1.
Variant type: single nucleotide variant.
Coding change: c.5918T>C on transcript NM_025137.4 (MANE Select); coding-DNA position 5918, T replaced by C.
Protein change: p.Val1973Ala; replaces valine 1973 with alanine.
Molecular consequence: missense variant. On other transcripts: intron variant (1).
Genome position (GRCh38, 1-based): chr15:44,574,990, A>G on the plus strand (T>C on the coding strand, the complement: SPG11 is on the minus strand). VCF-style: chr15-44574990-A-G. GRCh37 (hg19) VCF-style: chr15-44867188-A-G.
Other names: c.5867-2170T>C (NM_001160227.2); short protein forms V1973A.
Identifiers: ClinVar variation 945030 (VCV000945030.1), dbSNP rs2082504085, ClinGen allele CA392218937.